The following is an entry in ClinVar:

NM_001458.5(FLNC):c.1582G>A (p.Ala528Thr)

Gene: FLNC (filamin C; plus strand). Cytogenetic location: 7q32.1.
Variant type: single nucleotide variant.
Coding change: c.1582G>A on transcript NM_001458.5 (MANE Select); coding-DNA position 1582, G replaced by A.
Protein change: p.Ala528Thr; replaces alanine 528 with threonine.
Molecular consequence: missense variant.
Genome position (GRCh38, 1-based): chr7:128,840,580, G>A. VCF-style: chr7-128840580-G-A. GRCh37 (hg19) VCF-style: chr7-128480634-G-A.
Other names: c.1582G>A, p.Ala528Thr (NM_001127487.2); short protein forms A528T.
Identifiers: ClinVar variation 1775740 (VCV001775740.5), dbSNP rs745503164, ClinGen allele CA369226519.
Genomic context (GRCh38, chr7:128,840,580, plus strand): 5'-CTTCCCCACCCTGCCCCCATCTCCTCAGAGGGCACAGAGGAGCCAGTGAAGGTGCGGGAG[G>A]CTGGGGATGGTGTGTTCGAGTGCGAGTACTACCCGGTGGTGCCTGGGAAGTATGTGGTGA-3'
Protein context (NP_001449.3, residues 518-538): GTEEPVKVRE[Ala528Thr]GDGVFECEYY

ClinVar aggregate classification (germline): Uncertain significance. Review status: criteria provided, multiple submitters, no conflicts (2 of 4 stars). 2 submissions from 2 submitters: Uncertain significance (2). Last evaluated 2023-03-10.

Conditions:
Distal myopathy with posterior leg and anterior hand involvement. Also called: WILLIAMS DISTAL MYOPATHY. Identifiers: Orphanet 63273, MedGen C3279722, MONDO:0013550, OMIM 614065.
Myofibrillar myopathy 5. Also called: Filaminopathy (type); FILAMINOPATHY, AUTOSOMAL DOMINANT. Identifiers: Orphanet 171445, MedGen C1836050, MONDO:0012289, OMIM 609524.
Hypertrophic cardiomyopathy 26. Also called: Cardiomyopathy, familial hypertrophic, 26. Identifiers: Orphanet 75249, MedGen C4310749, MONDO:0014883, OMIM 617047.
Cardiovascular phenotype. Identifiers: MedGen CN230736.

Submissions (2):

Labcorp Genetics (formerly Invitae), Labcorp
Classification: Uncertain significance for Distal myopathy with posterior leg and anterior hand involvement; Myofibrillar myopathy 5; Hypertrophic cardiomyopathy 26. Last evaluated: 2023-03-10. Review status: criteria provided, single submitter. Criteria: Invitae Variant Classification Sherloc (09022015). Collection method: clinical testing. Allele origin: germline.
Comment: This sequence change replaces alanine, which is neutral and non-polar, with threonine, which is neutral and polar, at codon 528 of the FLNC protein (p.Ala528Thr). This variant is not present in population databases (gnomAD no frequency). This variant has not been reported in the literature in individuals affected with FLNC-related conditions. ClinVar contains an entry for this variant (Variation ID: 1775740). Advanced modeling of protein sequence and biophysical properties (such as structural, functional, and spatial information, amino acid conservation, physicochemical variation, residue mobility, and thermodynamic stability) has been performed at Invitae for this missense variant, however the output from this modeling did not meet the statistical confidence thresholds required to predict the impact of this variant on FLNC protein function. In summary, the available evidence is currently insufficient to determine the role of this variant in disease. Therefore, it has been classified as a Variant of Uncertain Significance.

Ambry Genetics
Classification: Uncertain significance for Cardiovascular phenotype. Last evaluated: 2021-04-05. Review status: criteria provided, single submitter. Criteria: Ambry Variant Classification Scheme 2023. Collection method: clinical testing. Allele origin: germline.
Comment: The p.A528T variant (also known as c.1582G>A), located in coding exon 10 of the FLNC gene, results from a G to A substitution at nucleotide position 1582. The alanine at codon 528 is replaced by threonine, an amino acid with similar properties. This amino acid position is not well conserved in available vertebrate species. In addition, this alteration is predicted to be tolerated by in silico analysis. Since supporting evidence is limited at this time, the clinical significance of this alteration remains unclear.